The following is an entry in ClinVar:

ClinVar aggregate classification (germline): Uncertain significance (1 of 4 stars; one submission).

Conditions:
Hereditary cancer-predisposing syndrome. Also called: Neoplastic Syndromes, Hereditary; Tumor predisposition; Hereditary Cancer Syndrome; Hereditary neoplastic syndrome. Identifiers: Orphanet 140162, MedGen C0027672, MeSH D009386, MONDO:0015356.

Submission:

Ambry Genetics
Classification: Uncertain significance for Hereditary cancer-predisposing syndrome. Last evaluated: 2026-08-20. Review status: criteria provided, single submitter. Criteria: Ambry Variant Classification Scheme 2023. Collection method: clinical testing. Allele origin: germline.
Comment: The p.E884G variant (also known as c.2651A>G), located in coding exon 25 of the RB1 gene, results from an A to G substitution at nucleotide position 2651. The glutamic acid at codon 884 is replaced by glycine, an amino acid with similar properties. This amino acid position is highly conserved in available vertebrate species. In addition, this alteration is predicted to be deleterious by in silico analysis. Based on the available evidence, the clinical significance of this variant remains unclear.

NM_000321.3(RB1):c.2651A>G (p.Glu884Gly)

Gene: RB1 (RB transcriptional corepressor 1; plus strand). Cytogenetic location: 13q14.2.
Variant type: single nucleotide variant.
Coding change: c.2651A>G on transcript NM_000321.3 (MANE Select); coding-DNA position 2651, A replaced by G.
Protein change: p.Glu884Gly; replaces glutamic acid 884 with glycine.
Molecular consequence: missense variant.
Genome position (GRCh38, 1-based): chr13:48,476,831, A>G. VCF-style: chr13-48476831-A-G. GRCh37 (hg19) VCF-style: chr13-49050967-A-G.
Other names: c.2651A>G, p.Glu884Gly (NM_001407165.1); c.101A>G, p.Glu34Gly (NM_001407168.1); short protein forms E884G, E34G.
Identifiers: ClinVar variation 4543895 (VCV004543895.2).